The following is an entry in ClinVar:

NM_133642.5(LARGE1):c.1890G>A (p.Trp630Ter)

Gene: LARGE1 (LARGE xylosyl- and glucuronyltransferase 1; minus strand). Cytogenetic location: 22q12.3.
Variant type: single nucleotide variant.
Coding change: c.1890G>A on transcript NM_133642.5 (MANE Select); coding-DNA position 1890, G replaced by A.
Protein change: p.Trp630Ter; replaces tryptophan 630 with a stop codon.
Molecular consequence: nonsense.
Genome position (GRCh38, 1-based): chr22:33,277,243, C>T on the plus strand (G>A on the coding strand, the complement: LARGE1 is on the minus strand). VCF-style: chr22-33277243-C-T. GRCh37 (hg19) VCF-style: chr22-33673229-C-T.
Other names: c.1890G>A, p.Trp630Ter (NM_001362949.2, NM_001362951.2, NM_001362953.2 and 4 more transcripts); c.1743G>A, p.Trp581Ter (NM_001378627.1, NM_001378628.1); c.1734G>A, p.Trp578Ter (NM_001378629.1); c.1287G>A, p.Trp429Ter (NM_001378630.1); c.984G>A, p.Trp328Ter (NM_001378631.1); short protein forms W581*, W429*, W630*, W328*, W578*.
Identifiers: ClinVar variation 3638005 (VCV003638005.2).

ClinVar aggregate classification (germline): Pathogenic (1 of 4 stars; one submission).

Conditions:
Muscular dystrophy-dystroglycanopathy type B6 (MDDGB6). Also called: MUSCULAR DYSTROPHY, CONGENITAL, LARGE-RELATED; MUSCULAR DYSTROPHY, CONGENITAL, TYPE 1D; MUSCULAR DYSTROPHY-DYSTROGLYCANOPATHY (CONGENITAL WITH IMPAIRED INTELLECTUAL DEVELOPMENT), TYPE B, 6. Identifiers: MedGen C1837229, MONDO:0012138, OMIM 608840.

gnomAD v4.1: 1 of 1,614,176 alleles (0.000062%); highest among the groups gnomAD compares: Non-Finnish European, 0.000085%; no homozygotes.

Submission:

Labcorp Genetics (formerly Invitae), Labcorp
Classification: Pathogenic for Muscular dystrophy-dystroglycanopathy type B6. Last evaluated: 2024-02-01. Review status: criteria provided, single submitter. Criteria: Invitae Variant Classification Sherloc (09022015). Collection method: clinical testing. Allele origin: germline.
Comment: This sequence change creates a premature translational stop signal (p.Trp630*) in the LARGE1 gene. It is expected to result in an absent or disrupted protein product. Loss-of-function variants in LARGE1 are known to be pathogenic (PMID: 12966029, 17878207). This variant is not present in population databases (gnomAD no frequency). This variant has not been reported in the literature in individuals affected with LARGE1-related conditions. For these reasons, this variant has been classified as Pathogenic.

Literature cited by the submitters: PubMed 12966029; PubMed 17878207.